The following is an entry in ClinVar:

ClinVar aggregate classification (germline): Uncertain significance (1 of 4 stars; one submission).

Submission:

Labcorp Genetics (formerly Invitae), Labcorp
Classification: Uncertain significance. Last evaluated: 2025-04-08. Review status: criteria provided, single submitter. Criteria: Invitae Variant Classification Sherloc (09022015). Collection method: clinical testing. Allele origin: germline.
Comment: This sequence change replaces asparagine, which is neutral and polar, with lysine, which is basic and polar, at codon 210 of the RAB11B protein (p.Asn210Lys). This variant is present in population databases (rs775370486, gnomAD 0.006%). This variant has not been reported in the literature in individuals affected with RAB11B-related conditions. An algorithm developed to predict the effect of missense changes on protein structure and function (PolyPhen-2) suggests that this variant is likely to be tolerated. In summary, the available evidence is currently insufficient to determine the role of this variant in disease. Therefore, it has been classified as a Variant of Uncertain Significance.

NM_004218.4(RAB11B):c.630C>G (p.Asn210Lys)

Gene: RAB11B (RAB11B, member RAS oncogene family; plus strand). Cytogenetic location: 19p13.2.
Variant type: single nucleotide variant.
Coding change: c.630C>G on transcript NM_004218.4 (MANE Select); coding-DNA position 630, C replaced by G.
Protein change: p.Asn210Lys; replaces asparagine 210 with lysine.
Molecular consequence: missense variant.
Genome position (GRCh38, 1-based): chr19:8,403,531, C>G. VCF-style: chr19-8403531-C-G. GRCh37 (hg19) VCF-style: chr19-8468415-C-G.
Other names: short protein forms N210K.
Identifiers: ClinVar variation 4716872 (VCV004716872.1).
Genomic context (GRCh38, chr19:8,403,531, plus strand): 5'-CCCGGGGAACAACGTGGTGGACATCAGCGTGCCGCCCACCACGGACGGACAGAAGCCCAA[C>G]AAGCTGCAGTGCTGCCAGAACCTGTGACCCCTGCGCCTCCACCCAGCGTGCGTGCACGTC-3'
Protein context (NP_004209.2, residues 200-218): VPPTTDGQKP[Asn210Lys]KLQCCQNL